The following is an entry in ClinVar:

ClinVar aggregate classification (germline): Conflicting classifications of pathogenicity. Review status: criteria provided, conflicting classifications (1 of 4 stars). 8 submissions from 8 submitters: Uncertain significance (7); Likely benign (1). Last evaluated 2026-02-09.

Conditions:
Weill-Marchesani syndrome 2, dominant. Also called: FBN1-Related Weill-Marchesani Syndrome; Weill-Marchesani Syndrome, Autosomal Dominant. Identifiers: Orphanet 2084, MedGen C1869115, MONDO:0012013, OMIM 608328.
Ectopia lentis 1, isolated, autosomal dominant (ECTOL1). Identifiers: Orphanet 1885, MedGen C3541518, MONDO:0007514, OMIM 129600.
Marfan syndrome (MFS). Also called: MARFAN SYNDROME, TYPE I; FBN1-Related Marfan Syndrome; Marfan syndrome type 1; Marfan's syndrome; Marfan syndrome, classic. Identifiers: Orphanet 284963, Orphanet 558, MedGen C0024796, MONDO:0007947, OMIM 154700.
Stiff skin syndrome (SSKS). Identifiers: Orphanet 2833, MedGen C1861456, MONDO:0008492, OMIM 184900.
Acromicric dysplasia (ACMICD). Also called: Acromicric skeletal dysplasia. Identifiers: Orphanet 969, MedGen C0265287, MONDO:0007055, OMIM 102370.
Progeroid and marfanoid aspect-lipodystrophy syndrome. Also called: MARFANOID-PROGEROID SYNDROME; MARFAN-PROGEROID-LIPODYSTROPHY SYNDROME; Marfan lipodystrophy syndrome; MARFANOID-PROGEROID-LIPODYSTROPHY SYNDROME. Identifiers: Orphanet 300382, MedGen C4310796, MONDO:0014831, OMIM 616914.
MASS syndrome (OCTD). Also called: MASS PHENOTYPE; OVERLAP CONNECTIVE TISSUE DISEASE. Identifiers: MedGen C1858556, MONDO:0011431, OMIM 604308.
Geleophysic dysplasia 2 (GPHYSD2). Identifiers: Orphanet 2623, MedGen C3280054, MONDO:0013612, OMIM 614185.
Familial thoracic aortic aneurysm and aortic dissection (TAAD). Also called: Thoracic aortic aneurysms and dissections. Identifiers: Orphanet 91387, MedGen C4707243, MONDO:0019625.

Allele frequency attached by ClinVar (database versions not stated): gnomAD 0.00001; gnomAD exomes 0.00001 and below 0.00001; TOPMed 0.00001.
gnomAD v4.1: 8 of 1,613,716 alleles (0.0005%); highest among the groups gnomAD compares: Non-Finnish European, 0.00068%; no homozygotes.

Submissions (8):

Women's Health and Genetics/Laboratory Corporation of America, LabCorp
Classification: Uncertain significance. Last evaluated: 2026-02-09. Review status: criteria provided, single submitter. Criteria: LabCorp Variant Classification Summary - May 2015. Collection method: clinical testing. Allele origin: germline.
Comment: Variant summary: FBN1 c.6187G>A (p.Ala2063Thr) results in a non-conservative amino acid change in the encoded protein sequence. Algorithms developed to predict the effect of missense changes on protein structure and function are either unavailable or do not agree on the potential impact of this missense change. The variant allele was found at a frequency of 4e-06 in 251142 control chromosomes. The available data on variant occurrences in the general population are insufficient to allow any conclusion about variant significance. To our knowledge, no occurrence of c.6187G>A in individuals affected with FBN1-related conditions and no experimental evidence demonstrating its impact on protein function have been reported. ClinVar contains an entry for this variant (Variation ID: 439707). Based on the evidence outlined above, the variant was classified as uncertain significance.

Labcorp Genetics (formerly Invitae), Labcorp
Classification: Likely benign for Marfan syndrome; Familial thoracic aortic aneurysm and aortic dissection. Last evaluated: 2026-01-21. Review status: criteria provided, single submitter. Criteria: Invitae Variant Classification Sherloc (09022015). Collection method: clinical testing. Allele origin: germline.

All of Us Research Program, National Institutes of Health
Classification: Uncertain significance for Marfan syndrome. Last evaluated: 2023-11-20. Review status: criteria provided, single submitter. Criteria: ACMG Guidelines, 2015. Collection method: clinical testing. Allele origin: germline. Inheritance: Autosomal dominant inheritance. Observed: 1 variant allele, 1 heterozygote.
Comment: Variant of Uncertain Significance due to insufficient evidence: This missense variant is located in the TGFbeta-like domain 8 of the FBN1 protein. Computational prediction tools and conservation analyses are inconclusive regarding the impact of this variant on the protein function. Computational splicing tools suggest that this variant may not impact RNA splicing. To our knowledge, functional assays have not been performed for this variant nor has this variant been reported in individuals affected with cardiovascular disorders in the literature. This variant has been identified in 1/245894 chromosomes in the general population by the Genome Aggregation Database (gnomAD). Available evidence is insufficient to determine the pathogenicity of this variant conclusively.

This study involves interpretation of variants in research participants for the purpose of population health screening. Participant phenotype was not available at the time of variant classification. Additional details can be found in publication PMID: 35346344, PMCID: PMC8962531

Color Diagnostics, LLC DBA Color Health
Classification: Uncertain significance for Familial thoracic aortic aneurysm and aortic dissection. Last evaluated: 2023-10-25. Review status: criteria provided, single submitter. Criteria: ACMG Guidelines, 2015. Collection method: clinical testing. Allele origin: germline.
Comment: This missense variant replaces alanine with threonine at codon 2063 of the FBN1 protein. Computational prediction suggests that this variant may not impact protein structure and function (internally defined REVEL score threshold <= 0.5, PMID: 27666373). To our knowledge, functional studies have not been reported for this variant. This variant has not been reported in individuals affected with FBN1-related disorders in the literature. This variant has been identified in 1/251142 chromosomes in the general population by the Genome Aggregation Database (gnomAD). The available evidence is insufficient to determine the role of this variant in disease conclusively. Therefore, this variant is classified as a Variant of Uncertain Significance.

Fulgent Genetics
Classification: Uncertain significance for Acromicric dysplasia; Ectopia lentis 1, isolated, autosomal dominant; Marfan syndrome; Stiff skin syndrome; MASS syndrome; Weill-Marchesani syndrome 2, dominant; Geleophysic dysplasia 2; Progeroid and marfanoid aspect-lipodystrophy syndrome. Last evaluated: 2021-08-27. Review status: criteria provided, single submitter. Criteria: ACMG Guidelines, 2015. Collection method: clinical testing. Allele origin: unknown.

Ambry Genetics
Classification: Uncertain significance for Familial thoracic aortic aneurysm and aortic dissection. Last evaluated: 2019-12-20. Review status: criteria provided, single submitter. Criteria: Ambry Variant Classification Scheme 2023. Collection method: clinical testing. Allele origin: germline.
Comment: The p.A2063T variant (also known as c.6187G>A), located in coding exon 50 of the FBN1 gene, results from a G to A substitution at nucleotide position 6187. The alanine at codon 2063 is replaced by threonine, an amino acid with similar properties. This amino acid position is not well conserved in available vertebrate species, and threonine is the reference amino acid in other vertebrate species. In addition, the in silico prediction for this alteration is inconclusive. Since supporting evidence is limited at this time, the clinical significance of this alteration remains unclear.

GeneDx
Classification: Uncertain significance. Last evaluated: 2019-04-19. Review status: criteria provided, single submitter. Criteria: GeneDx Variant Classification Process June 2021. Collection method: clinical testing. Allele origin: germline. Affected: yes.
Comment: Not observed at a significant frequency in large population cohorts (Lek et al., 2016); In silico analysis, which includes protein predictors and evolutionary conservation, supports that this variant does not alter protein structure/function; Has not been previously published as pathogenic or benign to our knowledge; Reported in ClinVar as a variant of uncertain significance by other clinical laboratories (ClinVar Variant ID# 439707; Landrum et al., 2016)

ARUP Laboratories, Molecular Genetics and Genomics, ARUP Laboratories
Classification: Uncertain significance. Last evaluated: 2017-01-06. Review status: criteria provided, single submitter. Criteria: ARUP Molecular Germline Variant Investigation Process. Collection method: clinical testing. Allele origin: germline.

NM_000138.5(FBN1):c.6187G>A (p.Ala2063Thr)

Gene: FBN1 (fibrillin 1; minus strand). Cytogenetic location: 15q21.1.
Variant type: single nucleotide variant.
Coding change: c.6187G>A on transcript NM_000138.5 (MANE Select); coding-DNA position 6187, G replaced by A.
Protein change: p.Ala2063Thr; replaces alanine 2063 with threonine.
Molecular consequence: missense variant.
Genome position (GRCh38, 1-based): chr15:48,437,894, C>T on the plus strand (G>A on the coding strand, the complement: FBN1 is on the minus strand). VCF-style: chr15-48437894-C-T. GRCh37 (hg19) VCF-style: chr15-48730091-C-T.
Other names: short protein forms A2063T.
Identifiers: ClinVar variation 439707 (VCV000439707.32), dbSNP rs1316593215, ClinGen allele CA392337244.